The following is an entry in ClinVar:

ClinVar aggregate classification (germline): Likely benign. Review status: criteria provided, multiple submitters, no conflicts (2 of 4 stars). 2 submissions from 2 submitters: Likely benign (2). Last evaluated 2024-05-21.

Conditions:
Malignant hyperthermia, susceptibility to, 5 (MHS5). Also called: CACNA1S-Related Malignant Hyperthermia Susceptibility. Identifiers: Orphanet 423, MedGen C1866077, MONDO:0011163, OMIM 601887.
Hypokalemic periodic paralysis, type 1. Also called: HypoPP; Hypokalemic Periodic Paralysis Type 1 (AD). Identifiers: Orphanet 681, MedGen C3714580, MONDO:0042979, OMIM 170400.

Allele frequency attached by ClinVar (database versions not stated): gnomAD exomes 0.00002.
gnomAD v4.1: 13 of 1,613,954 alleles (0.00081%); highest among the groups gnomAD compares: Non-Finnish European, 0.0011%; no homozygotes.

Submissions (2):

Labcorp Genetics (formerly Invitae), Labcorp
Classification: Likely benign for Hypokalemic periodic paralysis, type 1; Malignant hyperthermia, susceptibility to, 5. Last evaluated: 2024-05-21. Review status: criteria provided, single submitter. Criteria: Invitae Variant Classification Sherloc (09022015). Collection method: clinical testing. Allele origin: germline.

All of Us Research Program, National Institutes of Health
Classification: Likely benign for Malignant hyperthermia, susceptibility to, 5. Last evaluated: 2023-12-13. Review status: criteria provided, single submitter. Criteria: ACMG Guidelines, 2015. Collection method: clinical testing. Allele origin: germline. Inheritance: Autosomal dominant inheritance. Observed: 1 variant allele, 1 heterozygote.
Comment: This study involves interpretation of variants in research participants for the purpose of population health screening. Participant phenotype was not available at the time of variant classification. Additional details can be found in publication PMID: 35346344, PMCID: PMC8962531

NM_000069.3(CACNA1S):c.945C>A (p.Val315=)

Gene: CACNA1S (calcium voltage-gated channel subunit alpha1 S; minus strand). Cytogenetic location: 1q32.1.
Variant type: single nucleotide variant.
Coding change: c.945C>A on transcript NM_000069.3 (MANE Select); coding-DNA position 945, C replaced by A.
Protein change: p.Val315=; no amino-acid change (valine 315 retained).
Molecular consequence: synonymous variant.
Genome position (GRCh38, 1-based): chr1:201,087,885, G>T on the plus strand (C>A on the coding strand, the complement: CACNA1S is on the minus strand). VCF-style: chr1-201087885-G-T. GRCh37 (hg19) VCF-style: chr1-201057013-G-T.
Identifiers: ClinVar variation 3074986 (VCV003074986.3), dbSNP rs2464608301, ClinGen allele CA422693786.